The following is an entry in ClinVar:

ClinVar aggregate classification (germline): Conflicting classifications of pathogenicity. Review status: criteria provided, conflicting classifications (1 of 4 stars). 5 submissions from 5 submitters: Pathogenic (1); Uncertain significance (4). Last evaluated 2026-09-03.

Conditions:
Familial thoracic aortic aneurysm and aortic dissection (TAAD). Also called: Thoracic aortic aneurysms and dissections. Identifiers: Orphanet 91387, MedGen C4707243, MONDO:0019625.
Marfan syndrome (MFS). Also called: Marfan's syndrome; Marfan syndrome, classic; Marfan syndrome type 1; MARFAN SYNDROME, TYPE I; FBN1-Related Marfan Syndrome. Identifiers: Orphanet 284963, Orphanet 558, MedGen C0024796, MONDO:0007947, OMIM 154700.

Submissions (5):

Ambry Genetics
Classification: Uncertain significance for Familial thoracic aortic aneurysm and aortic dissection. Last evaluated: 2026-09-03. Review status: criteria provided, single submitter. Criteria: Ambry Variant Classification Scheme 2023. Collection method: clinical testing. Allele origin: germline.
Comment: The p.G2372V variant (also known as c.7115G>T), located in coding exon 57 of the FBN1 gene, results from a G to T substitution at nucleotide position 7115. The glycine at codon 2372 is replaced by valine, an amino acid with dissimilar properties. This variant was reported in individual(s) with features consistent with Marfan syndrome and related fibrillinopathies (Ambry internal data). This variant has also been reported in a family with thoracic aortic aneurysm and dissection who also carried a missense alteration in TGFBR2 (Yamawaki T et al. Intern Med, 2009 Apr;48:555-8). This amino acid position is highly conserved in available vertebrate species. In addition, this alteration is predicted to be deleterious by in silico analysis. Since supporting evidence is limited at this time, the clinical significance of this alteration remains unclear.

Labcorp Genetics (formerly Invitae), Labcorp
Classification: Pathogenic for Marfan syndrome; Familial thoracic aortic aneurysm and aortic dissection. Last evaluated: 2025-02-16. Review status: criteria provided, single submitter. Criteria: Invitae Variant Classification Sherloc (09022015). Collection method: clinical testing. Allele origin: germline.
Comment: This sequence change replaces glycine, which is neutral and non-polar, with valine, which is neutral and non-polar, at codon 2372 of the FBN1 protein (p.Gly2372Val). This variant is not present in population databases (gnomAD no frequency). This missense change has been observed in individuals with clinical features of FBN1-related conditions (PMID: 19336958; internal data). It has also been observed to segregate with disease in related individuals. ClinVar contains an entry for this variant (Variation ID: 1330717). Invitae Evidence Modeling of protein sequence and biophysical properties (such as structural, functional, and spatial information, amino acid conservation, physicochemical variation, residue mobility, and thermodynamic stability) indicates that this missense variant is expected to disrupt FBN1 protein function with a positive predictive value of 95%. For these reasons, this variant has been classified as Pathogenic.

All of Us Research Program, National Institutes of Health
Classification: Uncertain significance for Marfan syndrome. Last evaluated: 2024-06-09. Review status: criteria provided, single submitter. Criteria: ACMG Guidelines, 2015. Collection method: clinical testing. Allele origin: germline. Inheritance: Autosomal dominant inheritance. Observed: 2 variant alleles, 2 heterozygotes.
Comment: This missense variant replaces glycine with valine at codon 2372 of the FBN1 protein. Computational prediction tools indicate that this variant has a deleterious impact on protein structure and function. To our knowledge, functional studies have not been reported for this variant. This variant has been reported in three individuals from one family affected with thoracic aortic aneurysm and dissection (PMID: 19336958). This variant has not been identified in the general population by the Genome Aggregation Database (gnomAD). The available evidence is insufficient to determine the role of this variant in disease conclusively. Therefore, this variant is classified as a Variant of Uncertain Significance.

This study involves interpretation of variants in research participants for the purpose of population health screening. Participant phenotype was not available at the time of variant classification. Additional details can be found in publication PMID: 35346344, PMCID: PMC8962531

GeneDx
Classification: Uncertain significance. Last evaluated: 2023-08-09. Review status: criteria provided, single submitter. Criteria: GeneDx Variant Classification Process June 2021. Collection method: clinical testing. Allele origin: germline. Affected: yes.
Comment: Identified in a family with hereditary thoracic aortic aneurysms, though one of the three affected individuals also harbored a TGFBR2 missense variant (Yamawaki et al., 2009); Not observed at significant frequency in large population cohorts (gnomAD); Does not affect a cysteine residue within a calcium-binding EGF-like domain or a TGF-binding protein domain of the FBN1 gene; cysteine substitutions in the calcium-binding EGF-like domains represent the majority of pathogenic missense changes associated with FBN1-related disorders (Collod-Beroud et al., 2003); In silico analysis supports that this missense variant has a deleterious effect on protein structure/function; This variant is associated with the following publications: (PMID: 19336958)

ARUP Laboratories, Molecular Genetics and Genomics, ARUP Laboratories
Classification: Uncertain significance. Last evaluated: 2021-02-10. Review status: criteria provided, single submitter. Criteria: ARUP Molecular Germline Variant Investigation Process 2021. Collection method: clinical testing. Allele origin: germline.
Comment: The FBN1 c.7115G>T; p.Gly2372Val variant (rs112369155) is reported in the literature in multiple individuals in a family with hereditary thoracic aortic aneurysm and dissection (TAAD) with some Marfan-like symptoms (Yamawaki 2009). This variant is absent from general population databases (Exome Variant Server, Genome Aggregation Database), indicating it is not a common polymorphism. The glycine at codon 2372 is highly conserved, and computational analyses predict that this variant is deleterious (REVEL: 0.936). However, given the lack of clinical and functional data, the significance of the p.Gly2372Val variant is uncertain at this time. References: Yamawaki T et al. Familial thoracic aortic aneurysm and dissection associated with Marfan-related gene mutations: case report of a family with two gene mutations. Intern Med. 2009;48(7):555-8.

Literature cited by the submitters: PubMed 19336958 (cited by 3 submitters).

NM_000138.5(FBN1):c.7115G>T (p.Gly2372Val)

Gene: FBN1 (fibrillin 1; minus strand). Cytogenetic location: 15q21.1.
Variant type: single nucleotide variant.
Coding change: c.7115G>T on transcript NM_000138.5 (MANE Select); coding-DNA position 7115, G replaced by T.
Protein change: p.Gly2372Val; replaces glycine 2372 with valine.
Molecular consequence: missense variant.
Genome position (GRCh38, 1-based): chr15:48,427,656, C>A on the plus strand (G>T on the coding strand, the complement: FBN1 is on the minus strand). VCF-style: chr15-48427656-C-A. GRCh37 (hg19) VCF-style: chr15-48719853-C-A.
Other names: short protein forms G2372V.
Identifiers: ClinVar variation 1330717 (VCV001330717.20), dbSNP rs112369155, ClinGen allele CA269521468.
Genomic context (GRCh38, chr15:48,427,656, plus strand): 5'-TGGGGACAGAGTTTCTTGAAAGCCACAGTCCCCTGGAAAGGGCAGATCTCACAGTGGGGA[C>A]CCCAGCCTCTCCCTCCGTCACAGCAGCATTCCGATTTGGTGACGGGGTTCCTGTTGCTGG-3'
Protein context (NP_000129.3, residues 2362-2382): ECCCDGGRGW[Gly2372Val]PHCEICPFQG